The following is an entry in ClinVar:

NM_000355.4(TCN2):c.1084G>C (p.Ala362Pro)

Gene: TCN2 (transcobalamin 2; plus strand). Cytogenetic location: 22q12.2.
Variant type: single nucleotide variant.
Coding change: c.1084G>C on transcript NM_000355.4 (MANE Select); coding-DNA position 1084, G replaced by C.
Protein change: p.Ala362Pro; replaces alanine 362 with proline.
Molecular consequence: missense variant.
Genome position (GRCh38, 1-based): chr22:30,617,473, G>C. VCF-style: chr22-30617473-G-C. GRCh37 (hg19) VCF-style: chr22-31013460-G-C.
Other names: c.1003G>C, p.Ala335Pro (NM_001184726.2); short protein forms A335P, A362P.
Identifiers: ClinVar variation 1437693 (VCV001437693.6), dbSNP rs1237571997, ClinGen allele CA411215757.

ClinVar aggregate classification (germline): Uncertain significance (1 of 4 stars; one submission).

Conditions:
Transcobalamin II deficiency (TCN2D). Also called: Transcolabamin II deficiency; TC II DEFICIENCY; TCN2 DEFICIENCY. Identifiers: Orphanet 859, MedGen C0342701, MONDO:0010149, OMIM 275350.

Allele frequency attached by ClinVar (database versions not stated): gnomAD 0.00001.
gnomAD v4.1: 7 of 1,614,040 alleles (0.00043%); highest among the groups gnomAD compares: Non-Finnish European, 0.00059%; no homozygotes.

Submission:

Labcorp Genetics (formerly Invitae), Labcorp
Classification: Uncertain significance for Transcobalamin II deficiency. Last evaluated: 2022-10-24. Review status: criteria provided, single submitter. Criteria: Invitae Variant Classification Sherloc (09022015). Collection method: clinical testing. Allele origin: germline.
Comment: In summary, the available evidence is currently insufficient to determine the role of this variant in disease. Therefore, it has been classified as a Variant of Uncertain Significance. Advanced modeling of protein sequence and biophysical properties (such as structural, functional, and spatial information, amino acid conservation, physicochemical variation, residue mobility, and thermodynamic stability) performed at Invitae indicates that this missense variant is expected to disrupt TCN2 protein function. ClinVar contains an entry for this variant (Variation ID: 1437693). This variant has not been reported in the literature in individuals affected with TCN2-related conditions. This variant is present in population databases (no rsID available, gnomAD 0.0009%). This sequence change replaces alanine, which is neutral and non-polar, with proline, which is neutral and non-polar, at codon 362 of the TCN2 protein (p.Ala362Pro).